The following is an entry in ClinVar:

ClinVar aggregate classification (germline): Uncertain significance (1 of 4 stars; one submission).

gnomAD v4.1: 1 of 1,614,132 alleles (0.000062%); highest among the groups gnomAD compares: Non-Finnish European, 0.000085%; no homozygotes.

Submission:

GeneDx
Classification: Uncertain significance. Last evaluated: 2022-07-29. Review status: criteria provided, single submitter. Criteria: GeneDx Variant Classification Process June 2021. Collection method: clinical testing. Allele origin: germline. Affected: yes.
Comment: Not observed at significant frequency in large population cohorts (gnomAD); In silico analysis supports that this missense variant has a deleterious effect on protein structure/function; Has not been previously published as pathogenic or benign to our knowledge

NM_001429.4(EP300):c.6928C>T (p.Pro2310Ser)

Gene: EP300 (E1A binding protein p300; plus strand). Cytogenetic location: 22q13.2.
Variant type: single nucleotide variant.
Coding change: c.6928C>T on transcript NM_001429.4 (MANE Select); coding-DNA position 6928, C replaced by T.
Protein change: p.Pro2310Ser; replaces proline 2310 with serine.
Molecular consequence: missense variant.
Genome position (GRCh38, 1-based): chr22:41,178,639, C>T. VCF-style: chr22-41178639-C-T. GRCh37 (hg19) VCF-style: chr22-41574643-C-T.
Other names: c.6850C>T, p.Pro2284Ser (NM_001362843.2); short protein forms P2284S, P2310S.
Identifiers: ClinVar variation 2412838 (VCV002412838.3), dbSNP rs2059218676, ClinGen allele CA411683074.